The following is an entry in ClinVar:

NM_012330.4(KAT6B):c.460C>G (p.Leu154Val)

Gene: KAT6B (lysine acetyltransferase 6B; plus strand). Cytogenetic location: 10q22.2.
Variant type: single nucleotide variant.
Coding change: c.460C>G on transcript NM_012330.4 (MANE Select); coding-DNA position 460, C replaced by G.
Protein change: p.Leu154Val; replaces leucine 154 with valine.
Molecular consequence: missense variant. On other transcripts: 5 prime UTR variant (2).
Genome position (GRCh38, 1-based): chr10:74,843,317, C>G. VCF-style: chr10-74843317-C-G. GRCh37 (hg19) VCF-style: chr10-76603075-C-G.
Other names: c.460C>G, p.Leu154Val (NM_001256468.2, NM_001256469.2, NM_001370132.1 and 10 more transcripts); c.-79C>G (NM_001370134.1, NM_001370135.1); short protein forms L154V.
Identifiers: ClinVar variation 2962541 (VCV002962541.3), dbSNP rs562996276, ClinGen allele CA209908705.

ClinVar aggregate classification (germline): Uncertain significance (1 of 4 stars; one submission).

Conditions:
Genitopatellar syndrome (GTPTS). Also called: ABSENT PATELLAE, SCROTAL HYPOPLASIA, RENAL ANOMALIES, FACIAL DYSMORPHISM, AND MENTAL RETARDATION; Genitopatellar syndrome (GPS). Identifiers: Orphanet 85201, MedGen C1853566, MONDO:0011640, OMIM 606170.

Allele frequency attached by ClinVar (database versions not stated): gnomAD 0.00001; gnomAD exomes 0.00001.
gnomAD v4.1: 4 of 1,613,510 alleles (0.00025%); highest among the groups gnomAD compares: Non-Finnish European, 0.00034%; no homozygotes.

Submission:

Labcorp Genetics (formerly Invitae), Labcorp
Classification: Uncertain significance for Genitopatellar syndrome. Last evaluated: 2023-05-30. Review status: criteria provided, single submitter. Criteria: Invitae Variant Classification Sherloc (09022015). Collection method: clinical testing. Allele origin: germline.
Comment: This sequence change replaces leucine, which is neutral and non-polar, with valine, which is neutral and non-polar, at codon 154 of the KAT6B protein (p.Leu154Val). In summary, the available evidence is currently insufficient to determine the role of this variant in disease. Therefore, it has been classified as a Variant of Uncertain Significance. Advanced modeling of protein sequence and biophysical properties (such as structural, functional, and spatial information, amino acid conservation, physicochemical variation, residue mobility, and thermodynamic stability) performed at Invitae indicates that this missense variant is not expected to disrupt KAT6B protein function. This variant has not been reported in the literature in individuals affected with KAT6B-related conditions. This variant is present in population databases (rs562996276, gnomAD 0.007%).